The following is an entry in ClinVar:

NM_003480.4(MFAP5):c.513T>A (p.Asn171Lys)

Genes: MFAP5 (microfibril associated protein 5; minus strand), LOC126861443 (BRD4-independent group 4 enhancer GRCh37_chr12:8800473-8801672; plus strand). Cytogenetic location: 12p13.31.
Variant type: single nucleotide variant.
Coding change: c.513T>A on transcript NM_003480.4 (MANE Select); coding-DNA position 513, T replaced by A.
Protein change: p.Asn171Lys; replaces asparagine 171 with lysine.
Molecular consequence: missense variant. On other transcripts: non-coding transcript variant (2).
Genome position (GRCh38, 1-based): chr12:8,648,100, A>T on the plus strand (T>A on the coding strand, the complement: MFAP5 is on the minus strand). VCF-style: chr12-8648100-A-T. GRCh37 (hg19) VCF-style: chr12-8800696-A-T.
Other names: c.513T>A (NM_003480.2); c.483T>A, p.Asn161Lys (NM_001297709.2); c.447T>A, p.Asn149Lys (NM_001297710.2); c.438T>A, p.Asn146Lys (NM_001297711.2); c.321T>A, p.Asn107Lys (NM_001297712.2); short protein forms N107K, N146K, N149K, N161K, N171K.
Identifiers: ClinVar variation 1959052 (VCV001959052.7), dbSNP rs758073813, ClinGen allele CA6434558.

ClinVar aggregate classification (germline): Uncertain significance. Review status: criteria provided, multiple submitters, no conflicts (2 of 4 stars). 3 submissions from 3 submitters: Uncertain significance (3). Last evaluated 2024-08-20.

Conditions:
Cardiovascular phenotype. Identifiers: MedGen CN230736.

Allele frequency attached by ClinVar (database versions not stated): TOPMed below 0.00001; ExAC 0.00001; 1000 Genomes Project 30x 0.00016; 1000 Genomes Project 0.00020.
gnomAD v4.1: 10 of 1,611,732 alleles (0.00062%); highest among the groups gnomAD compares: Admixed American, 0.017%; no homozygotes.

Submissions (3):

Ambry Genetics
Classification: Uncertain significance for Cardiovascular phenotype. Last evaluated: 2024-08-20. Review status: criteria provided, single submitter. Criteria: Ambry Variant Classification Scheme 2023. Collection method: clinical testing. Allele origin: germline.

Women's Health and Genetics/Laboratory Corporation of America, LabCorp
Classification: Uncertain significance. Last evaluated: 2024-06-09. Review status: criteria provided, single submitter. Criteria: LabCorp Variant Classification Summary - May 2015. Collection method: clinical testing. Allele origin: germline.

Labcorp Genetics (formerly Invitae), Labcorp
Classification: Uncertain significance. Last evaluated: 2022-10-27. Review status: criteria provided, single submitter. Criteria: Invitae Variant Classification Sherloc (09022015). Collection method: clinical testing. Allele origin: germline.
Comment: This variant is present in population databases (rs758073813, gnomAD 0.01%). This variant has not been reported in the literature in individuals affected with MFAP5-related conditions. Algorithms developed to predict the effect of missense changes on protein structure and function (SIFT, PolyPhen-2, Align-GVGD) all suggest that this variant is likely to be tolerated. Algorithms developed to predict the effect of sequence changes on RNA splicing suggest that this variant may create or strengthen a splice site. In summary, the available evidence is currently insufficient to determine the role of this variant in disease. Therefore, it has been classified as a Variant of Uncertain Significance. This sequence change replaces asparagine, which is neutral and polar, with lysine, which is basic and polar, at codon 171 of the MFAP5 protein (p.Asn171Lys).